The following is an entry in ClinVar:

ClinVar aggregate classification (germline): Pathogenic/Likely pathogenic. Review status: criteria provided, multiple submitters, no conflicts (2 of 4 stars). 2 submissions from 2 submitters: Pathogenic (1); Likely pathogenic (1). Last evaluated 2025-05-13.

Conditions:
Interstitial lung disease due to ABCA3 deficiency. Also called: PULMONARY ALVEOLAR PROTEINOSIS, CONGENITAL, 3. Identifiers: Orphanet 440402, MedGen C1970456, MONDO:0012582, OMIM 610921.

Allele frequency attached by ClinVar (database versions not stated): ExAC 0.00001; TOPMed 0.00001; gnomAD exomes 0.00002.

Submissions (2):

Myriad Genetics, Inc.
Classification: Likely pathogenic for Interstitial lung disease due to ABCA3 deficiency. Last evaluated: 2025-05-13. Review status: criteria provided, single submitter. Criteria: Myriad Autosomal Dominant, Autosomal Recessive and X-Linked Classification Criteria (2023). Collection method: clinical testing. Allele origin: unknown.
Comment: NM_001089.2(ABCA3):c.604G>A(G202R) is a missense variant classified as likely pathogenic in the context of surfactant deficiency, ABCA3-related. G202R has been observed in cases with relevant disease (PMID: 36808083, 34245068, 27437095, 22068586, 35626240). Relevant functional assessments of this variant are not available in the literature. G202R has been observed in referenced population frequency databases. In summary, NM_001089.2(ABCA3):c.604G>A(G202R) is a missense variant that has been observed more frequently in cases with the relevant disease than in healthy populations. Please note: this variant was assessed in the context of healthy population screening.

Labcorp Genetics (formerly Invitae), Labcorp
Classification: Pathogenic. Last evaluated: 2023-04-09. Review status: criteria provided, single submitter. Criteria: Invitae Variant Classification Sherloc (09022015). Collection method: clinical testing. Allele origin: germline.
Comment: An algorithm developed to predict the effect of missense changes on protein structure and function (PolyPhen-2) suggests that this variant is likely to be disruptive. This missense change has been observed in individual(s) with respiratory distress syndrome (PMID: 22068586, 27437095, 32668698, 34245068). This variant is present in population databases (rs751061681, gnomAD 0.003%). This sequence change replaces glycine, which is neutral and non-polar, with arginine, which is basic and polar, at codon 202 of the ABCA3 protein (p.Gly202Arg). For these reasons, this variant has been classified as Pathogenic.

Literature cited by the submitters: PubMed 22068586 (cited by Myriad Genetics, Inc. and Labcorp Genetics (formerly Invitae), Labcorp); PubMed 27437095 (cited by Myriad Genetics, Inc. and Labcorp Genetics (formerly Invitae), Labcorp); PubMed 34245068 (cited by Myriad Genetics, Inc. and Labcorp Genetics (formerly Invitae), Labcorp); PubMed 35626240 (cited by Myriad Genetics, Inc.); PubMed 36808083 (cited by Myriad Genetics, Inc.); PubMed 32668698 (cited by Labcorp Genetics (formerly Invitae), Labcorp).

NM_001089.3(ABCA3):c.604G>A (p.Gly202Arg)

Gene: ABCA3 (ATP binding cassette subfamily A member 3; minus strand). Cytogenetic location: 16p13.3.
Variant type: single nucleotide variant.
Coding change: c.604G>A on transcript NM_001089.3 (MANE Select); coding-DNA position 604, G replaced by A.
Protein change: p.Gly202Arg; replaces glycine 202 with arginine.
Molecular consequence: missense variant.
Genome position (GRCh38, 1-based): chr16:2,323,532, C>T on the plus strand (G>A on the coding strand, the complement: ABCA3 is on the minus strand). VCF-style: chr16-2323532-C-T. GRCh37 (hg19) VCF-style: chr16-2373533-C-T.
Other names: short protein forms G202R.
Identifiers: ClinVar variation 2736313 (VCV002736313.4), dbSNP rs751061681, ClinGen allele CA7841603.
Genomic context (GRCh38, chr16:2,323,532, plus strand): 5'-CACTAGTCAACAGCCCGGGCTGGTAACACGAACCCTAACCGAGCTTCTCACCAGGTTCTC[C>T]GCCATCAGGGGATGTAGGTTCCCTTGGTCCTGGGTTTGGGAAAAGCGGGAAAAGGGAAGT-3'
Protein context (NP_001080.2, residues 192-212): GPREPTSPDG[Gly202Arg]EPGYIREGFL